The following is an entry in ClinVar:

ClinVar aggregate classification (germline): Uncertain significance (1 of 4 stars; one submission).

Allele frequency attached by ClinVar (database versions not stated): gnomAD exomes below 0.00001; ExAC 0.00002.
gnomAD v4.1: 2 of 1,614,058 alleles (0.00012%); highest among the groups gnomAD compares: Non-Finnish European, 0.00017%; no homozygotes.

Submission:

Labcorp Genetics (formerly Invitae), Labcorp
Classification: Uncertain significance. Last evaluated: 2019-10-13. Review status: criteria provided, single submitter. Criteria: Invitae Variant Classification Sherloc (09022015). Collection method: clinical testing. Allele origin: germline.
Comment: This sequence change replaces valine with alanine at codon 570 of the AHR protein (p.Val570Ala). The valine residue is weakly conserved and there is a small physicochemical difference between valine and alanine. This variant is present in population databases (rs749148157, ExAC 0.003%). This variant has not been reported in the literature in individuals with AHR-related conditions. Algorithms developed to predict the effect of missense changes on protein structure and function (SIFT, PolyPhen-2, Align-GVGD) all suggest that this variant is likely to be tolerated, but these predictions have not been confirmed by published functional studies and their clinical significance is uncertain. In summary, the available evidence is currently insufficient to determine the role of this variant in disease. Therefore, it has been classified as a Variant of Uncertain Significance.

NM_001621.5(AHR):c.1709T>C (p.Val570Ala)

Gene: AHR (aryl hydrocarbon receptor; plus strand). Cytogenetic location: 7p21.1.
Variant type: single nucleotide variant.
Coding change: c.1709T>C on transcript NM_001621.5 (MANE Select); coding-DNA position 1709, T replaced by C.
Protein change: p.Val570Ala; replaces valine 570 with alanine.
Molecular consequence: missense variant.
Genome position (GRCh38, 1-based): chr7:17,339,534, T>C. VCF-style: chr7-17339534-T-C. GRCh37 (hg19) VCF-style: chr7-17379158-T-C.
Other names: short protein forms V570A.
Identifiers: ClinVar variation 954506 (VCV000954506.9), dbSNP rs749148157, ClinGen allele CA4172169.